The following is an entry in ClinVar:

NM_001037333.3(CYFIP2):c.2216A>G (p.Tyr739Cys)

Gene: CYFIP2 (cytoplasmic FMR1 interacting protein 2; plus strand). Cytogenetic location: 5q33.3.
Variant type: single nucleotide variant.
Coding change: c.2216A>G on transcript NM_001037333.3 (MANE Select); coding-DNA position 2216, A replaced by G.
Protein change: p.Tyr739Cys; replaces tyrosine 739 with cysteine.
Molecular consequence: missense variant.
Genome position (GRCh38, 1-based): chr5:157,330,801, A>G. VCF-style: chr5-157330801-A-G. GRCh37 (hg19) VCF-style: chr5-156757809-A-G.
Other names: c.2138A>G, p.Tyr713Cys (NM_001291721.2); c.2291A>G, p.Tyr764Cys (NM_001291722.2); c.2216A>G, p.Tyr739Cys (NM_014376.4); short protein forms Y739C, Y764C, Y713C.
Identifiers: ClinVar variation 2144996 (VCV002144996.4), dbSNP rs747638094, ClinGen allele CA3533795.

ClinVar aggregate classification (germline): Uncertain significance (1 of 4 stars; one submission).

Allele frequency attached by ClinVar (database versions not stated): ExAC 0.00001; gnomAD exomes 0.00001; TOPMed 0.00001.
gnomAD v4.1: 7 of 1,613,938 alleles (0.00043%); highest among the groups gnomAD compares: East Asian, 0.0089%; no homozygotes.

Submission:

Labcorp Genetics (formerly Invitae), Labcorp
Classification: Uncertain significance. Last evaluated: 2022-05-04. Review status: criteria provided, single submitter. Criteria: Invitae Variant Classification Sherloc (09022015). Collection method: clinical testing. Allele origin: germline.
Comment: In summary, the available evidence is currently insufficient to determine the role of this variant in disease. Therefore, it has been classified as a Variant of Uncertain Significance. Algorithms developed to predict the effect of missense changes on protein structure and function are either unavailable or do not agree on the potential impact of this missense change (SIFT: "Tolerated"; PolyPhen-2: "Not Available"; Align-GVGD: "Class C15"). This variant has not been reported in the literature in individuals affected with CYFIP2-related conditions. This variant is present in population databases (rs747638094, gnomAD 0.02%). This sequence change replaces tyrosine, which is neutral and polar, with cysteine, which is neutral and slightly polar, at codon 739 of the CYFIP2 protein (p.Tyr739Cys).